The following is an entry in ClinVar:

NM_000441.2(SLC26A4):c.1222del (p.Ser408fs)

Gene: SLC26A4 (solute carrier family 26 member 4; plus strand). Cytogenetic location: 7q22.3.
Variant type: Deletion.
Coding change: c.1222del on transcript NM_000441.2 (MANE Select); coding-DNA position 1222, one base deleted (T; older notation c.1222delT).
Protein change: p.Ser408fs; shifts the reading frame from serine 408.
Molecular consequence: frameshift variant.
Genome position (GRCh38, 1-based): chr7:107,690,196, T deleted; the last of 3 consecutive T bases (chr7:107,690,194-107,690,196); deleting any one gives the same sequence. VCF-style (leftmost placement, unchanged base first): chr7-107690193-CT-C. GRCh37 (hg19) VCF-style: chr7-107330638-CT-C.
Other names: c.1222delT (NM_000441.1); short protein forms S408fs.
Identifiers: ClinVar variation 285262 (VCV000285262.14), dbSNP rs886043058, ClinGen allele CA10605055.

ClinVar aggregate classification (germline): Pathogenic/Likely pathogenic. Review status: criteria provided, multiple submitters, no conflicts (2 of 4 stars). 4 submissions from 4 submitters: Pathogenic (2); Likely pathogenic (2). Last evaluated 2025-11-06.

Conditions:
Pendred syndrome (PDS). Also called: THYROID DYSHORMONOGENESIS 2B; THYROID HORMONOGENESIS, GENETIC DEFECT IN, 2B; DEAFNESS WITH GOITER; Pendred's syndrome; GOITER-DEAFNESS SYNDROME; HYPOTHYROIDISM, CONGENITAL, DUE TO DYSHORMONOGENESIS, 2B. Identifiers: Orphanet 705, MedGen C0271829, MONDO:0010134, OMIM 274600.

Submissions (4):

Natera, Inc.
Classification: Likely pathogenic for Pendred syndrome. Last evaluated: 2025-11-06. Review status: criteria provided, single submitter. Criteria: Natera Variant Classification Schema (03/2026). Collection method: clinical testing. Allele origin: germline.
Comment: The c.1222delT variant in SLC26A4 is a frameshift variant predicted to shift the reading frame beginning at codon 408 and leads to a stop codon 24 codons downstream. This variant is expected to result in nonsense mediated decay, truncation, or a dysfunctional protein product. This variant is rare in the general population with a frequency below the threshold expected for the associated phenotype(s). Given the available evidence, this variant is classified as Likely Pathogenic.

Labcorp Genetics (formerly Invitae), Labcorp
Classification: Pathogenic. Last evaluated: 2023-11-27. Review status: criteria provided, single submitter. Criteria: Invitae Variant Classification Sherloc (09022015). Collection method: clinical testing. Allele origin: germline.
Comment: This sequence change creates a premature translational stop signal (p.Ser408Profs*24) in the SLC26A4 gene. It is expected to result in an absent or disrupted protein product. Loss-of-function variants in SLC26A4 are known to be pathogenic (PMID: 16283880, 25394566, 26252218, 26445815). This variant is not present in population databases (gnomAD no frequency). This variant has not been reported in the literature in individuals affected with SLC26A4-related conditions. ClinVar contains an entry for this variant (Variation ID: 285262). For these reasons, this variant has been classified as Pathogenic.

Genome-Nilou Lab
Classification: Likely pathogenic for Pendred syndrome. Last evaluated: 2021-09-05. Review status: criteria provided, single submitter. Criteria: ACMG Guidelines, 2015. Collection method: clinical testing. Allele origin: germline. Affected: no.

Eurofins Ntd Llc (ga)
Classification: Pathogenic. Last evaluated: 2015-12-16. Review status: criteria provided, single submitter. Criteria: EGL Classification Definitions 2015. Collection method: clinical testing. Allele origin: germline. Observed: 1 variant allele, 1 heterozygote.

Literature cited by the submitters: PubMed 16283880 (cited by Labcorp Genetics (formerly Invitae), Labcorp); PubMed 25394566 (cited by Labcorp Genetics (formerly Invitae), Labcorp); PubMed 26252218 (cited by Labcorp Genetics (formerly Invitae), Labcorp); PubMed 26445815 (cited by Labcorp Genetics (formerly Invitae), Labcorp).